The following is an entry in ClinVar:

NM_001112726.3(CEP170B):c.273C>T (p.Tyr91=)

Gene: CEP170B (centrosomal protein 170B; plus strand). Cytogenetic location: 14q32.33.
Variant type: single nucleotide variant.
Coding change: c.273C>T on transcript NM_001112726.3 (MANE Select); coding-DNA position 273, C replaced by T.
Protein change: p.Tyr91=; no amino-acid change (tyrosine 91 retained).
Molecular consequence: synonymous variant.
Genome position (GRCh38, 1-based): chr14:104,877,962, C>T. VCF-style: chr14-104877962-C-T. GRCh37 (hg19) VCF-style: chr14-105344299-C-T.
Other names: c.63C>T, p.Tyr21= (NM_015005.3).
Identifiers: ClinVar variation 2644624 (VCV002644624.24), dbSNP rs747223873, ClinGen allele CA7375183.

ClinVar aggregate classification (germline): Likely benign (1 of 4 stars; one submission).

Allele frequency attached by ClinVar (database versions not stated): ExAC 0.00001; gnomAD 0.00001; gnomAD exomes 0.00002; TOPMed 0.00002.

Submission:

CeGaT Center for Human Genetics Tuebingen
Classification: Likely benign. Last evaluated: 2022-07-01. Review status: criteria provided, single submitter. Criteria: CeGaT Center For Human Genetics Tuebingen Variant Classification Criteria Version 2. Collection method: clinical testing. Allele origin: germline. Affected: yes. Observed: 1 variant allele.
Comment: CEP170B: BP4, BP7